The following is an entry in ClinVar:

ClinVar aggregate classification (germline): Conflicting classifications of pathogenicity. Review status: criteria provided, conflicting classifications (1 of 4 stars). 4 submissions from 4 submitters: Uncertain significance (3); Likely benign (1). Last evaluated 2025-03-24.

Conditions:
Cardiomyopathy (CMYO). Also called: Cardiomyopathies. Identifiers: Orphanet 167848, MedGen C0878544, MONDO:0004994, HP:0001638. Inheritance: Various modes of inheritance.
Cardiovascular phenotype. Identifiers: MedGen CN230736.
Charcot-Marie-Tooth disease type 2. Also called: Charcot-Marie-Tooth type 2. Identifiers: Orphanet 64746, MedGen C0270914, MONDO:0018993.

Allele frequency attached by ClinVar (database versions not stated): TOPMed below 0.00001; gnomAD 0.00001.
gnomAD v4.1: 5 of 1,612,194 alleles (0.00031%); highest among the groups gnomAD compares: Non-Finnish European, 0.00042%; no homozygotes.

Submissions (4):

Color Diagnostics, LLC DBA Color Health
Classification: Likely benign for Cardiomyopathy. Last evaluated: 2025-03-24. Review status: criteria provided, single submitter. Criteria: ACMG Guidelines, 2015. Collection method: clinical testing. Allele origin: germline.

Labcorp Genetics (formerly Invitae), Labcorp
Classification: Uncertain significance for Charcot-Marie-Tooth disease type 2. Last evaluated: 2024-06-17. Review status: criteria provided, single submitter. Criteria: Invitae Variant Classification Sherloc (09022015). Collection method: clinical testing. Allele origin: germline.
Comment: This sequence change replaces threonine, which is neutral and polar, with alanine, which is neutral and non-polar, at codon 424 of the LMNA protein (p.Thr424Ala). This variant is not present in population databases (gnomAD no frequency). This variant has not been reported in the literature in individuals affected with LMNA-related conditions. ClinVar contains an entry for this variant (Variation ID: 642551). Algorithms developed to predict the effect of missense changes on protein structure and function output the following: SIFT: "Not Available"; PolyPhen-2: "Benign"; Align-GVGD: "Not Available". The alanine amino acid residue is found in multiple mammalian species, which suggests that this missense change does not adversely affect protein function. In summary, the available evidence is currently insufficient to determine the role of this variant in disease. Therefore, it has been classified as a Variant of Uncertain Significance.

Ambry Genetics
Classification: Uncertain significance for Cardiovascular phenotype. Last evaluated: 2020-03-19. Review status: criteria provided, single submitter. Criteria: Ambry Variant Classification Scheme 2023. Collection method: clinical testing. Allele origin: germline.
Comment: The p.T424A variant (also known as c.1270A>G), located in coding exon 7 of the LMNA gene, results from an A to G substitution at nucleotide position 1270. The threonine at codon 424 is replaced by alanine, an amino acid with similar properties. This amino acid position is poorly conserved in available vertebrate species. In addition, this alteration is predicted to be tolerated by in silico analysis. Since supporting evidence is limited at this time, the clinical significance of this alteration remains unclear.

Mayo Clinic Laboratories, Mayo Clinic
Classification: Uncertain significance. Last evaluated: 2019-10-06. Review status: criteria provided, single submitter. Criteria: ACMG Guidelines, 2015. Collection method: clinical testing. Allele origin: germline. Observed: 1 variant allele.

NM_170707.4(LMNA):c.1270A>G (p.Thr424Ala)

Gene: LMNA (lamin A/C; plus strand). Cytogenetic location: 1q22.
Variant type: single nucleotide variant.
Coding change: c.1270A>G on transcript NM_170707.4 (MANE Select); coding-DNA position 1270, A replaced by G.
Protein change: p.Thr424Ala; replaces threonine 424 with alanine.
Molecular consequence: missense variant.
Genome position (GRCh38, 1-based): chr1:156,136,326, A>G. VCF-style: chr1-156136326-A-G. GRCh37 (hg19) VCF-style: chr1-156106117-A-G.
Other names: c.934A>G, p.Thr312Ala (NM_001257374.3); c.1027A>G, p.Thr343Ala (NM_001282624.2); c.1270A>G, p.Thr424Ala (NM_001282625.2, NM_001282626.2, NM_005572.4 and 1 more transcripts); short protein forms T424A, T312A, T343A.
Identifiers: ClinVar variation 642551 (VCV000642551.17), dbSNP rs1166140426, ClinGen allele CA342821538.